The following is an entry in ClinVar:

NM_006017.3(PROM1):c.2446G>C (p.Ala816Pro)

Gene: PROM1 (prominin 1; minus strand). Cytogenetic location: 4p15.32.
Variant type: single nucleotide variant.
Coding change: c.2446G>C on transcript NM_006017.3 (MANE Select); coding-DNA position 2446, G replaced by C.
Protein change: p.Ala816Pro; replaces alanine 816 with proline.
Molecular consequence: missense variant.
Genome position (GRCh38, 1-based): chr4:15,980,465, C>G on the plus strand (G>C on the coding strand, the complement: PROM1 is on the minus strand). VCF-style: chr4-15980465-C-G. GRCh37 (hg19) VCF-style: chr4-15982088-C-G.
Other names: c.2419G>C, p.Ala807Pro (NM_001145847.2, NM_001145848.2, NM_001145851.2 and 4 more transcripts); c.2446G>C, p.Ala816Pro (NM_001145849.2, NM_001145850.2); short protein forms A816P, A807P.
Identifiers: ClinVar variation 866234 (VCV000866234.53), dbSNP rs368515078, ClinGen allele CA2866392.

ClinVar aggregate classification (germline): Conflicting classifications of pathogenicity. Review status: criteria provided, conflicting classifications (1 of 4 stars). 5 submissions from 5 submitters: Likely pathogenic (1); Uncertain significance (4). Last evaluated 2026-03-13.

Conditions:
PROM1-related disorder. Also called: PROM1-related condition; PROM1-related disorders.
Cone-rod dystrophy 12 (CORD12). Identifiers: Orphanet 1872, MedGen C2675210, MONDO:0012983, OMIM 612657.
Stargardt disease 4 (STGD4). Identifiers: Orphanet 827, MedGen C1863534, MONDO:0011370, OMIM 603786.
Retinitis pigmentosa 41 (RP41). Also called: RETINAL DEGENERATION, AUTOSOMAL RECESSIVE, PROMININ-RELATED. Identifiers: Orphanet 791, MedGen C2677516, MONDO:0012796, OMIM 612095.
Retinal macular dystrophy type 2 (MCDR2). Also called: Bull's eye macular dystrophy. Identifiers: Orphanet 319640, MedGen C4749334, MONDO:0011957, OMIM 608051.

Allele frequency attached by ClinVar (database versions not stated): ExAC 0.00004; gnomAD exomes 0.00006 and 0.00003; ESP Exome Variant Server 0.00009; gnomAD 0.00003.
gnomAD v4.1: 85 of 1,556,634 alleles (0.0055%); highest among the groups gnomAD compares: Non-Finnish European, 0.0072%; no homozygotes.

Submissions (5):

PreventionGenetics, part of Exact Sciences
Classification: Uncertain significance for PROM1-related condition. Last evaluated: 2026-03-13. Review status: criteria provided, single submitter. Criteria: ACMG Guidelines, 2015. Collection method: clinical testing. Allele origin: germline.
Comment: The PROM1 c.2446G>C variant is predicted to result in the amino acid substitution p.Ala816Pro. This variant was reported in individuals with retinal disease (supplementary data, Diñeiro et al. 2020. PubMed ID: 32483926; supplementary data, Panneman et al. 2023. PubMed ID: 36819107). This variant is reported in 0.0074% of alleles in individuals of European (Non-Finnish) descent in gnomAD. At this time, the clinical significance of this variant is uncertain due to the absence of conclusive functional and genetic evidence.

Labcorp Genetics (formerly Invitae), Labcorp
Classification: Uncertain significance. Last evaluated: 2025-04-08. Review status: criteria provided, single submitter. Criteria: Invitae Variant Classification Sherloc (09022015). Collection method: clinical testing. Allele origin: germline.
Comment: This sequence change replaces alanine, which is neutral and non-polar, with proline, which is neutral and non-polar, at codon 816 of the PROM1 protein (p.Ala816Pro). This variant is present in population databases (rs368515078, gnomAD 0.008%). This missense change has been observed in individuals with clinical features of inherited retinal disease (PMID: 32483926, 36819107). ClinVar contains an entry for this variant (Variation ID: 866234). Invitae Evidence Modeling of protein sequence and biophysical properties (such as structural, functional, and spatial information, amino acid conservation, physicochemical variation, residue mobility, and thermodynamic stability) indicates that this missense variant is expected to disrupt PROM1 protein function with a positive predictive value of 80%. In summary, the available evidence is currently insufficient to determine the role of this variant in disease. Therefore, it has been classified as a Variant of Uncertain Significance.

Blueprint Genetics
Classification: Likely pathogenic for PROM1-related disorders. Last evaluated: 2024-11-06. Review status: criteria provided, single submitter. Criteria: ACMG Guidelines, 2015. Collection method: clinical testing. Allele origin: germline. Affected: yes. Observed: 5 variant alleles.

Fulgent Genetics
Classification: Uncertain significance for Stargardt disease 4; Retinal macular dystrophy type 2; Retinitis pigmentosa 41; Cone-rod dystrophy 12. Last evaluated: 2022-01-19. Review status: criteria provided, single submitter. Criteria: ACMG Guidelines, 2015. Collection method: clinical testing. Allele origin: unknown.

CeGaT Center for Human Genetics Tuebingen
Classification: Uncertain significance. Last evaluated: 2019-09-01. Review status: criteria provided, single submitter. Criteria: CeGaT Center For Human Genetics Tuebingen Variant Classification Criteria Version 2. Collection method: clinical testing. Allele origin: germline. Affected: yes. Observed: 2 variant alleles.

Literature cited by the submitters: PubMed 32483926 (cited by Labcorp Genetics (formerly Invitae), Labcorp); PubMed 36819107 (cited by Labcorp Genetics (formerly Invitae), Labcorp).